The following is an entry in ClinVar:

ClinVar aggregate classification (germline): Uncertain significance (1 of 4 stars; one submission).

gnomAD v4.1: 7 of 1,614,170 alleles (0.00043%); highest among the groups gnomAD compares: Non-Finnish European, 0.00051%; no homozygotes.

Submission:

Labcorp Genetics (formerly Invitae), Labcorp
Classification: Uncertain significance. Last evaluated: 2025-10-24. Review status: criteria provided, single submitter. Criteria: Invitae Variant Classification Sherloc (09022015). Collection method: clinical testing. Allele origin: germline.
Comment: This sequence change replaces glutamine, which is neutral and polar, with histidine, which is basic and polar, at codon 607 of the AFG3L2 protein (p.Gln607His). This variant is present in population databases (rs749806446, gnomAD 0.006%). This variant has not been reported in the literature in individuals affected with AFG3L2-related conditions. Invitae Evidence Modeling of protein sequence and biophysical properties (such as structural, functional, and spatial information, amino acid conservation, physicochemical variation, residue mobility, and thermodynamic stability) has been performed for this missense variant. However, the output from this modeling did not meet the statistical confidence thresholds required to predict the impact of this variant on AFG3L2 protein function. In summary, the available evidence is currently insufficient to determine the role of this variant in disease. Therefore, it has been classified as a Variant of Uncertain Significance.

NM_006796.3(AFG3L2):c.1821G>C (p.Gln607His)

Gene: AFG3L2 (AFG3 like matrix AAA peptidase subunit 2; minus strand). Cytogenetic location: 18p11.21.
Variant type: single nucleotide variant.
Coding change: c.1821G>C on transcript NM_006796.3 (MANE Select); coding-DNA position 1821, G replaced by C.
Protein change: p.Gln607His; replaces glutamine 607 with histidine.
Molecular consequence: missense variant.
Genome position (GRCh38, 1-based): chr18:12,340,360, C>G on the plus strand (G>C on the coding strand, the complement: AFG3L2 is on the minus strand). VCF-style: chr18-12340360-C-G. GRCh37 (hg19) VCF-style: chr18-12340359-C-G.
Other names: short protein forms Q607H.
Identifiers: ClinVar variation 4802993 (VCV004802993.1).
Genomic context (GRCh38, chr18:12,340,360, plus strand): 5'-CATACACATCCTATCCAAGAGCTGCTCTTTGGTATAGAGGTATTGTTCTTTTGGTAAATA[C>G]TGAGCATAACCTAGTCCTTTGCCACGTGGGATGATGGATACCTGGTAAGTAGAAAACAGT-3'
Protein context (NP_006787.2, residues 597-617): IPRGKGLGYA[Gln607His]YLPKEQYLYT